The following is an entry in ClinVar:

NM_001291303.3(FAT4):c.10339G>A (p.Gly3447Arg)

Gene: FAT4 (FAT atypical cadherin 4; plus strand). Cytogenetic location: 4q28.1.
Variant type: single nucleotide variant.
Coding change: c.10339G>A on transcript NM_001291303.3 (MANE Select); coding-DNA position 10339, G replaced by A.
Protein change: p.Gly3447Arg; replaces glycine 3447 with arginine.
Molecular consequence: missense variant.
Genome position (GRCh38, 1-based): chr4:125,451,349, G>A. VCF-style: chr4-125451349-G-A. GRCh37 (hg19) VCF-style: chr4-126372504-G-A.
Other names: c.10339G>A, p.Gly3447Arg (NM_001291285.3); c.10333G>A, p.Gly3445Arg (NM_024582.6); c.10333G>A (NM_024582.5); short protein forms G3447R, G3445R.
Identifiers: ClinVar variation 1432967 (VCV001432967.6), dbSNP rs751776479, ClinGen allele CA3073674.

ClinVar aggregate classification (germline): Uncertain significance. Review status: criteria provided, multiple submitters, no conflicts (2 of 4 stars). 2 submissions from 2 submitters: Uncertain significance (2). Last evaluated 2023-12-27.

Conditions:
Van Maldergem syndrome 2 (VMLDS2). Identifiers: Orphanet 314679, MedGen C3809875, MONDO:0014242, OMIM 615546.
Hennekam lymphangiectasia-lymphedema syndrome 2 (HKLLS2). Identifiers: Orphanet 2136, MedGen C4014939, MONDO:0014454, OMIM 616006.

Allele frequency attached by ClinVar (database versions not stated): gnomAD exomes 0.00001 and 0.00002; ExAC 0.00002.
gnomAD v4.1: 15 of 1,614,042 alleles (0.00093%); highest among the groups gnomAD compares: Middle Eastern, 0.049%; no homozygotes.

Submissions (2):

Fulgent Genetics
Classification: Uncertain significance for Van Maldergem syndrome 2; Hennekam lymphangiectasia-lymphedema syndrome 2. Last evaluated: 2023-12-27. Review status: criteria provided, single submitter. Criteria: ACMG Guidelines, 2015. Collection method: clinical testing. Allele origin: germline.

Labcorp Genetics (formerly Invitae), Labcorp
Classification: Uncertain significance. Last evaluated: 2022-07-30. Review status: criteria provided, single submitter. Criteria: Invitae Variant Classification Sherloc (09022015). Collection method: clinical testing. Allele origin: germline.
Comment: This sequence change replaces glycine, which is neutral and non-polar, with arginine, which is basic and polar, at codon 3445 of the FAT4 protein (p.Gly3445Arg). This variant is present in population databases (rs751776479, gnomAD 0.003%). This variant has not been reported in the literature in individuals affected with FAT4-related conditions. ClinVar contains an entry for this variant (Variation ID: 1432967). Advanced modeling of protein sequence and biophysical properties (such as structural, functional, and spatial information, amino acid conservation, physicochemical variation, residue mobility, and thermodynamic stability) performed at Invitae indicates that this missense variant is not expected to disrupt FAT4 protein function. Algorithms developed to predict the effect of sequence changes on RNA splicing suggest that this variant may create or strengthen a splice site. In summary, the available evidence is currently insufficient to determine the role of this variant in disease. Therefore, it has been classified as a Variant of Uncertain Significance.